The following is an entry in ClinVar:

ClinVar aggregate classification (germline): Uncertain significance (1 of 4 stars; one submission).

Allele frequency attached by ClinVar (database versions not stated): ExAC 0.00002.
gnomAD v4.1: 7 of 1,613,752 alleles (0.00043%); highest among the groups gnomAD compares: Admixed American, 0.0033%; no homozygotes.

Submission:

Labcorp Genetics (formerly Invitae), Labcorp
Classification: Uncertain significance. Last evaluated: 2023-11-18. Review status: criteria provided, single submitter. Criteria: Invitae Variant Classification Sherloc (09022015). Collection method: clinical testing. Allele origin: germline.
Comment: This sequence change creates a premature translational stop signal (p.Glu115*) in the CACNA2D4 gene. It is expected to result in an absent or disrupted protein product. However, the current clinical and genetic evidence is not sufficient to establish whether loss-of-function variants in CACNA2D4 cause disease. This variant is present in population databases (rs770767829, gnomAD 0.006%). This variant has not been reported in the literature in individuals affected with CACNA2D4-related conditions. In summary, the available evidence is currently insufficient to determine the role of this variant in disease. Therefore, it has been classified as a Variant of Uncertain Significance.

NM_172364.5(CACNA2D4):c.343G>T (p.Glu115Ter)

Gene: CACNA2D4 (calcium voltage-gated channel auxiliary subunit alpha2delta 4; minus strand). Cytogenetic location: 12p13.33.
Variant type: single nucleotide variant.
Coding change: c.343G>T on transcript NM_172364.5 (MANE Select); coding-DNA position 343, G replaced by T.
Protein change: p.Glu115Ter; replaces glutamic acid 115 with a stop codon.
Molecular consequence: nonsense.
Genome position (GRCh38, 1-based): chr12:1,913,106, C>A on the plus strand (G>T on the coding strand, the complement: CACNA2D4 is on the minus strand). VCF-style: chr12-1913106-C-A. GRCh37 (hg19) VCF-style: chr12-2022272-C-A.
Other names: short protein forms E115*.
Identifiers: ClinVar variation 2786295 (VCV002786295.3), dbSNP rs770767829, ClinGen allele CA6387572.